The following is an entry in ClinVar:

NM_015512.5(DNAH1):c.7211A>G (p.His2404Arg)

Gene: DNAH1 (dynein axonemal heavy chain 1; plus strand). Cytogenetic location: 3p21.1.
Variant type: single nucleotide variant.
Coding change: c.7211A>G on transcript NM_015512.5 (MANE Select); coding-DNA position 7211, A replaced by G.
Protein change: p.His2404Arg; replaces histidine 2404 with arginine.
Molecular consequence: missense variant.
Genome position (GRCh38, 1-based): chr3:52,378,614, A>G. VCF-style: chr3-52378614-A-G. GRCh37 (hg19) VCF-style: chr3-52412630-A-G.
Other names: short protein forms H2404R.
Identifiers: ClinVar variation 999763 (VCV000999763.5), dbSNP rs755472021, ClinGen allele CA353175269.

ClinVar aggregate classification (germline): Uncertain significance (1 of 4 stars; one submission).

Conditions:
Ciliary dyskinesia, primary, 37 (CILD37). Also called: CILIARY DYSKINESIA, PRIMARY, 37, WITH OR WITHOUT SITUS INVERSUS. Identifiers: MedGen C4539798, MONDO:0033204, OMIM 617577.
Spermatogenic failure 18. Identifiers: MedGen C4539783, MONDO:0054615, OMIM 617576.

Submission:

Labcorp Genetics (formerly Invitae), Labcorp
Classification: Uncertain significance for Ciliary dyskinesia, primary, 37; Spermatogenic failure 18. Last evaluated: 2020-07-13. Review status: criteria provided, single submitter. Criteria: Invitae Variant Classification Sherloc (09022015). Collection method: clinical testing. Allele origin: germline.
Comment: This sequence change replaces histidine with arginine at codon 2404 of the DNAH1 protein (p.His2404Arg). The histidine residue is weakly conserved and there is a small physicochemical difference between histidine and arginine. In summary, the available evidence is currently insufficient to determine the role of this variant in disease. Therefore, it has been classified as a Variant of Uncertain Significance. Algorithms developed to predict the effect of missense changes on protein structure and function (SIFT, PolyPhen-2, Align-GVGD) all suggest that this variant is likely to be tolerated, but these predictions have not been confirmed by published functional studies and their clinical significance is uncertain. This variant has not been reported in the literature in individuals with DNAH1-related conditions. This variant is not present in population databases (ExAC no frequency).